The following is an entry in ClinVar:

NM_020937.4(FANCM):c.1233A>C (p.Lys411Asn)

Gene: FANCM (FA complementation group M; plus strand). Cytogenetic location: 14q21.2.
Variant type: single nucleotide variant.
Coding change: c.1233A>C on transcript NM_020937.4 (MANE Select); coding-DNA position 1233, A replaced by C.
Protein change: p.Lys411Asn; replaces lysine 411 with asparagine.
Molecular consequence: missense variant.
Genome position (GRCh38, 1-based): chr14:45,154,746, A>C. VCF-style: chr14-45154746-A-C. GRCh37 (hg19) VCF-style: chr14-45623949-A-C.
Other names: c.1155A>C, p.Lys385Asn (NM_001308133.2); c.1233A>C, p.Lys411Asn (NM_001308134.2); short protein forms K411N, K385N.
Identifiers: ClinVar variation 5036602 (VCV005036602.1).
Genomic context (GRCh38, chr14:45,154,746, plus strand): 5'-AATTTCTGAAGGGATGACACGGTCAAAAAATGAACTTGGCCGAAATGAAGACTTCATGAA[A>C]CTCTATAATCATCTAGAGTGTATGTTTGCACGTACACGTAGTACTTCAGCAAATGGTATT-3'
Protein context (NP_065988.1, residues 401-421): NELGRNEDFM[Lys411Asn]LYNHLECMFA

ClinVar aggregate classification (germline): Uncertain significance (1 of 4 stars; one submission).

Conditions:
Inborn genetic diseases. Identifiers: MedGen C0950123, MeSH D030342.

Submission:

Ambry Genetics
Classification: Uncertain significance for Inborn genetic diseases. Last evaluated: 2026-07-09. Review status: criteria provided, single submitter. Criteria: Ambry Variant Classification Scheme 2023. Collection method: clinical testing. Allele origin: germline.
Comment: The p.K411N variant (also known as c.1233A>C), located in coding exon 7 of the FANCM gene, results from an A to C substitution at nucleotide position 1233. The lysine at codon 411 is replaced by asparagine, an amino acid with similar properties. This amino acid position is conserved. In addition, this alteration is predicted to be tolerated by in silico analysis. Based on the available evidence, the clinical significance of this variant remains unclear.